The following is an entry in ClinVar:

ClinVar aggregate classification (germline): Uncertain significance (1 of 4 stars; one submission).

Conditions:
Long QT syndrome (LQTS). Identifiers: MedGen C0023976, MeSH D008133, MONDO:0002442. Disease mechanism: loss of function. Inheritance: Various modes of inheritance.

Submissions (2):

Labcorp Genetics (formerly Invitae), Labcorp
Classification: Uncertain significance for Long QT syndrome. Last evaluated: 2022-08-06. Review status: criteria provided, single submitter. Criteria: Invitae Variant Classification Sherloc (09022015). Collection method: clinical testing. Allele origin: germline.
Comment: In summary, the available evidence is currently insufficient to determine the role of this variant in disease. Therefore, it has been classified as a Variant of Uncertain Significance. Experimental studies have shown that this missense change affects KCNE1 function (PMID: 22471742). Algorithms developed to predict the effect of missense changes on protein structure and function output the following: SIFT: "Tolerated"; PolyPhen-2: "Benign"; Align-GVGD: "Class C0". The valine amino acid residue is found in multiple mammalian species, which suggests that this missense change does not adversely affect protein function. This missense change has been observed in individual(s) with atrial fibrillation and/or sudden infant death syndrome (PMID: 22471742, 30079003). This variant is not present in population databases (gnomAD no frequency). This sequence change replaces glycine, which is neutral and non-polar, with valine, which is neutral and non-polar, at codon 25 of the KCNE1 protein (p.Gly25Val).

Roden Lab, Vanderbilt University Medical Center
No classification provided (evidence only). Condition: Long QT syndrome 5. Review status: no classification provided. Collection method: in vitro. Allele origin: not applicable. Functional consequence: Effect on ion channel function. Not counted in ClinVar's aggregate classification.
ClinVar note: "not provided" was previously submitted as the classification for the variant. However, the classification appeared to be based only on an observation of functional data so it was converted to no classification on 2025-07-30.

Literature cited by the submitters: PubMed 22471742 (cited by Labcorp Genetics (formerly Invitae), Labcorp); PubMed 30079003 (cited by Labcorp Genetics (formerly Invitae), Labcorp).

NM_000219.6(KCNE1):c.74G>T (p.Gly25Val)

Gene: KCNE1 (potassium voltage-gated channel subfamily E regulatory subunit 1; minus strand). Cytogenetic location: 21q22.12.
Variant type: single nucleotide variant.
Coding change: c.74G>T on transcript NM_000219.6 (MANE Select); coding-DNA position 74, G replaced by T.
Protein change: p.Gly25Val; replaces glycine 25 with valine.
Molecular consequence: missense variant.
Genome position (GRCh38, 1-based): chr21:34,449,561, C>A on the plus strand (G>T on the coding strand, the complement: KCNE1 is on the minus strand). VCF-style: chr21-34449561-C-A. GRCh37 (hg19) VCF-style: chr21-35821859-C-A.
Other names: c.74G>T, p.Gly25Val (NM_001127668.4, NM_001127669.4, NM_001127670.4 and 4 more transcripts); short protein forms G25V.
Identifiers: ClinVar variation 2138385 (VCV002138385.6), dbSNP rs2516764848, ClinGen allele CA410198526.